The following is an entry in ClinVar:

ClinVar aggregate classification (germline): Uncertain significance (1 of 4 stars; one submission).

Submission:

CeGaT Center for Human Genetics Tuebingen
Classification: Uncertain significance. Last evaluated: 2025-10-01. Review status: criteria provided, single submitter. Criteria: CeGaT Center For Human Genetics Tuebingen Variant Classification Criteria Version 2. Collection method: clinical testing. Allele origin: germline. Affected: yes. Observed: 1 variant allele.
Comment: BCL11A: PM2

NM_022893.4(BCL11A):c.757G>T (p.Gly253Cys)

Gene: BCL11A (BCL11 transcription factor A; minus strand). Cytogenetic location: 2p16.1.
Variant type: single nucleotide variant.
Coding change: c.757G>T on transcript NM_022893.4 (MANE Select); coding-DNA position 757, G replaced by T.
Protein change: p.Gly253Cys; replaces glycine 253 with cysteine.
Molecular consequence: missense variant. On other transcripts: intron variant (9).
Genome position (GRCh38, 1-based): chr2:60,462,155, C>A on the plus strand (G>T on the coding strand, the complement: BCL11A is on the minus strand). VCF-style: chr2-60462155-C-A. GRCh37 (hg19) VCF-style: chr2-60689290-C-A.
Other names: c.499G>T, p.Gly167Cys (NM_001405717.1, NM_001405718.1, NM_001405724.1); c.655G>T, p.Gly219Cys (NM_001405719.1, NM_001363864.1, NM_001365609.1 and 2 more transcripts); c.424G>T, p.Gly142Cys (NM_001405720.1, NM_001405721.1); c.601G>T, p.Gly201Cys (NM_001405722.1, NM_001405723.1, NM_001405713.1 and 3 more transcripts); c.301G>T, p.Gly101Cys (NM_001405725.1, NM_001405726.1, NM_001405727.1 and 1 more transcripts); c.757G>T, p.Gly253Cys (NM_001405708.1, NM_001405709.1, NM_001405710.1 and 1 more transcripts); c.630+127G>T (NM_138559.2, NM_001405732.1, NM_001405730.1); c.528+127G>T (NM_001405733.1); and 3 more; short protein forms G101C, G142C, G167C, G201C, G219C, G253C.
Identifiers: ClinVar variation 4534353 (VCV004534353.6).
Genomic context (GRCh38, chr2:60,462,155, plus strand): 5'-GATGTCTCGGTGGTGGACTAAACAGGGGGGGAGTGGGTGGAAAGCGCCCTTCTGCCAGGC[C>A]GGAAGCCTCTCTCGATACTGATCCTGGTATTCTTAGCAGGTTAAAGGGGTTATTGTCTGC-3'
Protein context (NP_075044.2, residues 243-263): IPGSVSREAS[Gly253Cys]LAEGRFPPTP